The following is an entry in ClinVar:

NM_000069.3(CACNA1S):c.625A>G (p.Ile209Val)

Gene: CACNA1S (calcium voltage-gated channel subunit alpha1 S; minus strand). Cytogenetic location: 1q32.1.
Variant type: single nucleotide variant.
Coding change: c.625A>G on transcript NM_000069.3 (MANE Select); coding-DNA position 625, A replaced by G.
Protein change: p.Ile209Val; replaces isoleucine 209 with valine.
Molecular consequence: missense variant.
Genome position (GRCh38, 1-based): chr1:201,091,709, T>C on the plus strand (A>G on the coding strand, the complement: CACNA1S is on the minus strand). VCF-style: chr1-201091709-T-C. GRCh37 (hg19) VCF-style: chr1-201060837-T-C.
Other names: c.625A>G (NM_000069.2); short protein forms I209V.
Identifiers: ClinVar variation 1063916 (VCV001063916.10), dbSNP rs566565917, ClinGen allele CA35996555.

ClinVar aggregate classification (germline): Uncertain significance. Review status: criteria provided, multiple submitters, no conflicts (2 of 4 stars). 3 submissions from 3 submitters: Uncertain significance (3). Last evaluated 2025-08-06.

Conditions:
Hypokalemic periodic paralysis, type 1. Also called: Hypokalemic Periodic Paralysis Type 1 (AD); HypoPP. Identifiers: Orphanet 681, MedGen C3714580, MONDO:0042979, OMIM 170400.
Malignant hyperthermia, susceptibility to, 5 (MHS5). Also called: CACNA1S-Related Malignant Hyperthermia Susceptibility. Identifiers: Orphanet 423, MedGen C1866077, MONDO:0011163, OMIM 601887.

Allele frequency attached by ClinVar (database versions not stated): TOPMed below 0.00001; gnomAD 0.00001; gnomAD exomes 0.00001.

Submissions (3):

Labcorp Genetics (formerly Invitae), Labcorp
Classification: Uncertain significance for Hypokalemic periodic paralysis, type 1; Malignant hyperthermia, susceptibility to, 5. Last evaluated: 2025-08-06. Review status: criteria provided, single submitter. Criteria: Invitae Variant Classification Sherloc (09022015). Collection method: clinical testing. Allele origin: germline.
Comment: This sequence change replaces isoleucine, which is neutral and non-polar, with valine, which is neutral and non-polar, at codon 209 of the CACNA1S protein (p.Ile209Val). This variant is not present in population databases (gnomAD no frequency). This variant has not been reported in the literature in individuals affected with CACNA1S-related conditions. ClinVar contains an entry for this variant (Variation ID: 1063916). Invitae Evidence Modeling of protein sequence and biophysical properties (such as structural, functional, and spatial information, amino acid conservation, physicochemical variation, residue mobility, and thermodynamic stability) indicates that this missense variant is not expected to disrupt CACNA1S protein function with a negative predictive value of 95%. In summary, the available evidence is currently insufficient to determine the role of this variant in disease. Therefore, it has been classified as a Variant of Uncertain Significance.

Color Diagnostics, LLC DBA Color Health
Classification: Uncertain significance for Malignant hyperthermia, susceptibility to, 5. Last evaluated: 2024-02-20. Review status: criteria provided, single submitter. Criteria: ACMG Guidelines, 2015. Collection method: clinical testing. Allele origin: germline.
Comment: This missense variant replaces isoleucine with valine at codon 209 of the CACNA1S protein. Computational prediction suggests that this variant may have deleterious impact on protein structure and function. To our knowledge, functional studies have not been reported for this variant. This variant has not been reported in individuals affected with CACNA1S-related disorders in the literature. This variant has not been identified in the general population by the Genome Aggregation Database (gnomAD). The available evidence is insufficient to determine the role of this variant in disease conclusively. Therefore, this variant is classified as a Variant of Uncertain Significance.

GeneDx
Classification: Uncertain significance. Last evaluated: 2023-11-08. Review status: criteria provided, single submitter. Criteria: GeneDx Variant Classification Process June 2021. Collection method: clinical testing. Allele origin: germline. Affected: yes.
Comment: Not observed at significant frequency in large population cohorts (gnomAD); In silico analysis supports that this missense variant does not alter protein structure/function; Has not been previously published as pathogenic or benign to our knowledge